The following is an entry in ClinVar:

ClinVar aggregate classification (germline): Pathogenic. Review status: criteria provided, multiple submitters, no conflicts (2 of 4 stars). 2 submissions from 2 submitters: Pathogenic (2). Last evaluated 2024-05-20.

Conditions:
Hereditary cancer-predisposing syndrome. Also called: Neoplastic Syndromes, Hereditary; Tumor predisposition; Hereditary neoplastic syndrome; Hereditary Cancer Syndrome. Identifiers: Orphanet 140162, MedGen C0027672, MeSH D009386, MONDO:0015356.
Retinoblastoma (RB1). Also called: RETINOBLASTOMA, SOMATIC. Identifiers: Orphanet 790, MedGen C0035335, MeSH D012175, MONDO:0008380, OMIM 180200, HP:0009919. Disease mechanism: loss of function. Inheritance: Both sporadic and heritable forms are tested..

Submissions (2):

Genetic Diagnostic Laboratory, University of Pennsylvania School of Medicine
Classification: Pathogenic for Retinoblastoma. Last evaluated: 2024-05-20. Review status: criteria provided, single submitter. Criteria: ACMG Guidelines, 2015. Collection method: clinical testing. Allele origin: germline. Affected: yes. Observed: 1 variant allele.
Comment: Case and Pedigree Information: BILATERAL CASES:0, UNILATERAL CASES:1, TOTAL CASES:1, PEDIGREES:1. ACMG Codes Applied:PVS1, PM2

Ambry Genetics
Classification: Pathogenic for Hereditary cancer-predisposing syndrome. Last evaluated: 2023-12-09. Review status: criteria provided, single submitter. Criteria: Ambry Variant Classification Scheme 2023. Collection method: clinical testing. Allele origin: germline.
Comment: The c.2468delC pathogenic mutation, located in coding exon 23 of the RB1 gene, results from a deletion of one nucleotide at nucleotide position 2468, causing a translational frameshift with a predicted alternate stop codon (p.T823Kfs*3). This alteration has been observed in at least one individual with a personal history that is consistent with RB1-related disease (Ambry internal data). This alteration is expected to result in loss of function by premature protein truncation or nonsense-mediated mRNA decay. As such, this alteration is interpreted as a disease-causing mutation.

NM_000321.3(RB1):c.2468del (p.Thr823fs)

Gene: RB1 (RB transcriptional corepressor 1; plus strand). Cytogenetic location: 13q14.2.
Variant type: Deletion.
Coding change: c.2468del on transcript NM_000321.3 (MANE Select); coding-DNA position 2468, one base deleted (C; older notation c.2468delC).
Protein change: p.Thr823fs; shifts the reading frame from threonine 823.
Molecular consequence: frameshift variant.
Genome position (GRCh38, 1-based): chr13:48,465,347, C deleted. VCF-style (leftmost placement, unchanged base first): chr13-48465346-AC-A. GRCh37 (hg19) VCF-style: chr13-49039482-AC-A.
Other names: c.2468del, p.Thr823fs (NM_001407165.1); short protein forms T823fs.
Identifiers: ClinVar variation 3231223 (VCV003231223.2), dbSNP rs2542376154, ClinGen allele CA2499307019.